The following is an entry in ClinVar:

NM_001267550.2(TTN):c.60385A>G (p.Thr20129Ala)

Genes: TTN (titin; minus strand), TTN-AS1 (TTN antisense RNA 1; plus strand). Cytogenetic location: 2q31.2.
Variant type: single nucleotide variant.
Coding change: c.60385A>G on transcript NM_001267550.2 (MANE Select); coding-DNA position 60385, A replaced by G.
Protein change: p.Thr20129Ala; replaces threonine 20129 with alanine.
Molecular consequence: missense variant.
Genome position (GRCh38, 1-based): chr2:178,591,340, T>C on the plus strand (A>G on the coding strand, the complement: TTN is on the minus strand). VCF-style: chr2-178591340-T-C. GRCh37 (hg19) VCF-style: chr2-179456067-T-C.
Other names: c.55462A>G, p.Thr18488Ala (NM_001256850.1); c.33190A>G, p.Thr11064Ala (NM_003319.4); c.52681A>G, p.Thr17561Ala (NM_133378.4); c.33565A>G, p.Thr11189Ala (NM_133432.3); c.33766A>G, p.Thr11256Ala (NM_133437.4); short protein forms T11256A, T11064A, T20129A, T11189A, T17561A, T18488A.
Identifiers: ClinVar variation 5000685 (VCV005000685.1).
Genomic context (GRCh38, chr2:178,591,340, plus strand): 5'-ATTCCCCAGTGTCTCTCCTTAAGCAGTTCTTAATGGTAAGTACTGATGAGAAGTTGTCTG[T>C]TTCAACTGTGTAGTGCTCATCGGTTTTAATCTCACTCCCATCGGTTGTCCACTTTGCAGT-3'
Protein context (NP_001254479.2, residues 20119-20139): IKTDEHYTVE[Thr20129Ala]DNFSSVLTIK

ClinVar aggregate classification (germline): Uncertain significance (1 of 4 stars; one submission).

Conditions:
TTN-related disorder. Also called: TTN-related disorders; TTN-related condition; TTN-related disease.

gnomAD v4.1: 5 of 1,613,252 alleles (0.00031%); highest among the groups gnomAD compares: Non-Finnish European, 0.00042%; no homozygotes.

Submission:

PreventionGenetics, part of Exact Sciences
Classification: Uncertain significance for TTN-related condition. Last evaluated: 2024-12-16. Review status: criteria provided, single submitter. Criteria: ACMG Guidelines, 2015. Collection method: clinical testing. Allele origin: germline.
Comment: The TTN c.60385A>G variant is predicted to result in the amino acid substitution p.Thr20129Ala. To our knowledge, this variant has not been reported in the literature. This variant is reported in 0.0027% of alleles in individuals of European (Non-Finnish) descent in gnomAD. At this time, the clinical significance of this variant is uncertain due to the absence of conclusive functional and genetic evidence.